The following is an entry in ClinVar:

NM_201253.3(CRB1):c.2371G>C (p.Gly791Arg)

Gene: CRB1 (crumbs cell polarity complex component 1; plus strand). Cytogenetic location: 1q31.3.
Variant type: single nucleotide variant.
Coding change: c.2371G>C on transcript NM_201253.3 (MANE Select); coding-DNA position 2371, G replaced by C.
Protein change: p.Gly791Arg; replaces glycine 791 with arginine.
Molecular consequence: missense variant. On other transcripts: non-coding transcript variant (2), intron variant (1).
Genome position (GRCh38, 1-based): chr1:197,427,696, G>C. VCF-style: chr1-197427696-G-C. GRCh37 (hg19) VCF-style: chr1-197396826-G-C.
Other names: c.2035G>C, p.Gly679Arg (NM_001193640.2); c.2164G>C, p.Gly722Arg (NM_001257965.2); c.2128+5740G>C (NM_001257966.2); short protein forms G679R, G791R, G722R.
Identifiers: ClinVar variation 2925302 (VCV002925302.3), dbSNP rs2528150148, ClinGen allele CA344037070.
Genomic context (GRCh38, chr1:197,427,696, plus strand): 5'-AGACTAGCAATGCTGACTCCAAACTCTCCCAAATTAGTAGTAAAATTTGTTCTTAATGAT[G>C]GAAATGTCCACTTGATATCTTTGAAAATCAAGCCATATAAAATTGAACTGTATCAGTCTT-3'
Protein context (NP_957705.1, residues 781-801): KLVVKFVLND[Gly791Arg]NVHLISLKIK

ClinVar aggregate classification (germline): Pathogenic (1 of 4 stars; one submission).

Conditions:
Retinitis pigmentosa 12 (RP12). Also called: RP WITH OR WITHOUT PRESERVED PARAARTERIOLE RETINAL PIGMENT EPITHELIUM; RETINITIS PIGMENTOSA WITH OR WITHOUT PARAARTERIOLAR PRESERVATION OF RETINAL PIGMENT EPITHELIUM; RP WITH OR WITHOUT PPRPE. Identifiers: Orphanet 791, MedGen C1838647, MONDO:0010818, OMIM 600105.
Leber congenital amaurosis 8 (LCA8). Identifiers: Orphanet 65, MedGen C3151202, MONDO:0013453, OMIM 613835.

Submission:

Labcorp Genetics (formerly Invitae), Labcorp
Classification: Pathogenic for Leber congenital amaurosis 8; Retinitis pigmentosa 12. Last evaluated: 2023-09-27. Review status: criteria provided, single submitter. Criteria: Invitae Variant Classification Sherloc (09022015). Collection method: clinical testing. Allele origin: germline.
Comment: For these reasons, this variant has been classified as Pathogenic. Advanced modeling of protein sequence and biophysical properties (such as structural, functional, and spatial information, amino acid conservation, physicochemical variation, residue mobility, and thermodynamic stability) performed at Invitae indicates that this missense variant is expected to disrupt CRB1 protein function. This missense change has been observed in individual(s) with CRB1-related conditions (PMID: 26047050, 33090715, 33342761). In at least one individual the data is consistent with being in trans (on the opposite chromosome) from a pathogenic variant. This variant is not present in population databases (gnomAD no frequency). This sequence change replaces glycine, which is neutral and non-polar, with arginine, which is basic and polar, at codon 791 of the CRB1 protein (p.Gly791Arg).

Literature cited by the submitters: PubMed 26047050; PubMed 33090715; PubMed 33342761.